The following is an entry in ClinVar:

NM_001367624.2(ZNF469):c.4862C>T (p.Thr1621Met)

Gene: ZNF469 (zinc finger protein 469; plus strand). Cytogenetic location: 16q24.2.
Variant type: single nucleotide variant.
Coding change: c.4862C>T on transcript NM_001367624.2 (MANE Select); coding-DNA position 4862, C replaced by T.
Protein change: p.Thr1621Met; replaces threonine 1621 with methionine.
Molecular consequence: missense variant.
Genome position (GRCh38, 1-based): chr16:88,432,332, C>T. VCF-style: chr16-88432332-C-T. GRCh37 (hg19) VCF-style: chr16-88498740-C-T.
Other names: NM_001127464.1:c.4778C>T; short protein forms T1621M.
Identifiers: ClinVar variation 2449447 (VCV002449447.3), dbSNP rs764967759, ClinGen allele CA8225014.

ClinVar aggregate classification (germline): Uncertain significance. Review status: criteria provided, multiple submitters, no conflicts (2 of 4 stars). 2 submissions from 2 submitters: Uncertain significance (2). Last evaluated 2025-11-11.

Conditions:
Cardiovascular phenotype. Identifiers: MedGen CN230736.

Allele frequency attached by ClinVar (database versions not stated): gnomAD 0.00002; TOPMed 0.00002; ExAC 0.00006.
gnomAD v4.1: 32 of 1,548,032 alleles (0.0021%); highest among the groups gnomAD compares: Non-Finnish European, 0.0027%; no homozygotes.

Submissions (2):

Women's Health and Genetics/Laboratory Corporation of America, LabCorp
Classification: Uncertain significance. Last evaluated: 2025-11-11. Review status: criteria provided, single submitter. Criteria: LabCorp Variant Classification Summary - May 2015. Collection method: clinical testing. Allele origin: germline.
Comment: Variant summary: ZNF469 c.4862C>T (p.Thr1621Met) results in a non-conservative amino acid change in the encoded protein sequence. Algorithms developed to predict the effect of missense changes on protein structure and function are either unavailable or do not agree on the potential impact of this missense change. The variant allele was found at a frequency of 1.3e-05 in 149532 control chromosomes. The available data on variant occurrences in the general population are insufficient to allow any conclusion about variant significance. To our knowledge, no occurrence of c.4862C>T in individuals affected with ZNF469-related conditions and no experimental evidence demonstrating its impact on protein function have been reported. ClinVar contains an entry for this variant (Variation ID: 2449447). Based on the evidence outlined above, the variant was classified as uncertain significance.

Ambry Genetics
Classification: Uncertain significance for Cardiovascular phenotype. Last evaluated: 2022-11-27. Review status: criteria provided, single submitter. Criteria: Ambry Variant Classification Scheme 2023. Collection method: clinical testing. Allele origin: germline.
Comment: The p.T1593M variant (also known as c.4778C>T), located in coding exon 2 of the ZNF469 gene, results from a C to T substitution at nucleotide position 4778. The threonine at codon 1593 is replaced by methionine, an amino acid with similar properties. This amino acid position is conserved. In addition, this alteration is predicted to be tolerated by in silico analysis. Since supporting evidence is limited at this time, the clinical significance of this alteration remains unclear.